The following is an entry in ClinVar:

ClinVar aggregate classification (germline): Uncertain significance (1 of 4 stars; one submission).

gnomAD v4.1: 1 of 1,613,072 alleles (0.000062%); no homozygotes.

Submission:

Labcorp Genetics (formerly Invitae), Labcorp
Classification: Uncertain significance. Last evaluated: 2025-09-02. Review status: criteria provided, single submitter. Criteria: Invitae Variant Classification Sherloc (09022015). Collection method: clinical testing. Allele origin: germline.
Comment: This sequence change replaces glutamic acid, which is acidic and polar, with glycine, which is neutral and non-polar, at codon 1128 of the LAMC3 protein (p.Glu1128Gly). This variant is not present in population databases (gnomAD no frequency). This variant has not been reported in the literature in individuals affected with LAMC3-related conditions. ClinVar contains an entry for this variant (Variation ID: 1359138). An algorithm developed to predict the effect of missense changes on protein structure and function (PolyPhen-2) suggests that this variant is likely to be tolerated. In summary, the available evidence is currently insufficient to determine the role of this variant in disease. Therefore, it has been classified as a Variant of Uncertain Significance.

NM_006059.4(LAMC3):c.3383A>G (p.Glu1128Gly)

Gene: LAMC3 (laminin subunit gamma 3; plus strand). Cytogenetic location: 9q34.12.
Variant type: single nucleotide variant.
Coding change: c.3383A>G on transcript NM_006059.4 (MANE Select); coding-DNA position 3383, A replaced by G.
Protein change: p.Glu1128Gly; replaces glutamic acid 1128 with glycine.
Molecular consequence: missense variant.
Genome position (GRCh38, 1-based): chr9:131,072,801, A>G. VCF-style: chr9-131072801-A-G. GRCh37 (hg19) VCF-style: chr9-133948188-A-G.
Other names: short protein forms E1128G.
Identifiers: ClinVar variation 1359138 (VCV001359138.6), dbSNP rs1830059156, ClinGen allele CA375259361.
Genomic context (GRCh38, chr9:131,072,801, plus strand): 5'-CCCAGAAGACCTGCACCCAGCTGGCAGACCTGGAGGCAGTGCTGGAGTCCTCGGAAGAGG[A>G]GATTCTGCATGCAGCTGCCATTCTCGCGTCTCTGGTATCCCAGGGGACCCCCCTACCCGA-3'
Protein context (NP_006050.3, residues 1118-1138): LEAVLESSEE[Glu1128Gly]ILHAAAILAS